The following is an entry in ClinVar:

NM_000360.4(TH):c.1143G>T (p.Gln381His)

Gene: TH (tyrosine hydroxylase; minus strand). Cytogenetic location: 11p15.5.
Variant type: single nucleotide variant.
Coding change: c.1143G>T on transcript NM_000360.4 (MANE Select); coding-DNA position 1143, G replaced by T.
Protein change: p.Gln381His; replaces glutamine 381 with histidine.
Molecular consequence: missense variant.
Genome position (GRCh38, 1-based): chr11:2,165,725, C>A on the plus strand (G>T on the coding strand, the complement: TH is on the minus strand). VCF-style: chr11-2165725-C-A. GRCh37 (hg19) VCF-style: chr11-2186955-C-A.
Other names: c.1236G>T, p.Gln412His (NM_199292.3); c.1224G>T, p.Gln408His (NM_199293.3); short protein forms Q381H, Q412H, Q408H.
Identifiers: ClinVar variation 2584915 (VCV002584915.1), dbSNP rs1846071715, ClinGen allele CA379125692.
Genomic context (GRCh38, chr11:2,165,725, plus strand): 5'-CACCAGGAGCTCCCCGTAGGAGGACAGCAGCCCGGCACCATAGGCCTTCACCTCCCCGTT[C>A]TGCTTACACAGCCCGAACTCCACCGTGAACCAGTACAGCTGCGGGGAAGCCGGGCAGCAT-3'
Protein context (NP_000351.2, residues 371-391): WFTVEFGLCK[Gln381His]NGEVKAYGAG

ClinVar aggregate classification (germline): Uncertain significance (1 of 4 stars; one submission).

Conditions:
TH-deficient dopa-responsive dystonia. Also called: Tyrosine Hydroxylase-Deficient Dopa-Responsive Dystonia; Segawa syndrome, autosomal recessive; DYT-TH. Identifiers: Orphanet 101150, MedGen C2673535, MONDO:0011551, OMIM 605407.

Submission:

Neuberg Centre For Genomic Medicine, NCGM
Classification: Uncertain significance for TH-deficient dopa-responsive dystonia. Review status: criteria provided, single submitter. Criteria: ACMG Guidelines, 2015. Collection method: clinical testing. Allele origin: germline. Inheritance: Autosomal recessive inheritance. Affected: yes.
Comment: The missense variant c.1143G>T (p.Gln381His) in TH gene has not been reported previously as a pathogenic variant nor as a benign variant, to our knowledge. The amino acid Gln at position 381 is changed to a His changing protein sequence and it might alter its composition and physico-chemical properties. The amino acid change p.Gln381His in TH is predicted as conserved by GERP++ and PhyloP across 100 vertebrates. The p.Gln381His variant is novel (not in any individuals) in gnomAD Exomes and 1000 Genomes. For these reasons, this variant has been classified as Uncertain Significance.